The following is an entry in ClinVar:

ClinVar aggregate classification (germline): Uncertain significance (1 of 4 stars; one submission).

Conditions:
Paget disease of bone 2, early-onset (PDB2). Also called: Paget disease of bone 2. Identifiers: MedGen C4085251, MONDO:0011183, OMIM 602080.
Frontotemporal dementia and/or amyotrophic lateral sclerosis 1 (FTDALS1). Also called: C9orf72 Frontotemporal Dementia and/or Amyotrophic Lateral Sclerosis; Frontotemporal dementia with motor neuron disease 1. Identifiers: Orphanet 275872, MedGen C5779877, MONDO:0007105, OMIM 105550.

Submission:

Labcorp Genetics (formerly Invitae), Labcorp
Classification: Uncertain significance for Paget disease of bone 2, early-onset; Frontotemporal dementia and/or amyotrophic lateral sclerosis 1. Last evaluated: 2022-07-25. Review status: criteria provided, single submitter. Criteria: Invitae Variant Classification Sherloc (09022015). Collection method: clinical testing. Allele origin: germline.
Comment: This sequence change replaces tryptophan, which is neutral and slightly polar, with cysteine, which is neutral and slightly polar, at codon 338 of the SQSTM1 protein (p.Trp338Cys). In summary, the available evidence is currently insufficient to determine the role of this variant in disease. Therefore, it has been classified as a Variant of Uncertain Significance. Algorithms developed to predict the effect of missense changes on protein structure and function (SIFT, PolyPhen-2, Align-GVGD) all suggest that this variant is likely to be disruptive. This variant has not been reported in the literature in individuals affected with SQSTM1-related conditions. This variant is not present in population databases (gnomAD no frequency).

NM_003900.5(SQSTM1):c.1014G>C (p.Trp338Cys)

Gene: SQSTM1 (sequestosome 1; plus strand). Cytogenetic location: 5q35.3.
Variant type: single nucleotide variant.
Coding change: c.1014G>C on transcript NM_003900.5 (MANE Select); coding-DNA position 1014, G replaced by C.
Protein change: p.Trp338Cys; replaces tryptophan 338 with cysteine.
Molecular consequence: missense variant.
Genome position (GRCh38, 1-based): chr5:179,833,631, G>C. VCF-style: chr5-179833631-G-C. GRCh37 (hg19) VCF-style: chr5-179260631-G-C.
Other names: c.762G>C, p.Trp254Cys (NM_001142298.2, NM_001142299.2); short protein forms W254C, W338C.
Identifiers: ClinVar variation 2059922 (VCV002059922.4), dbSNP rs1582022288, ClinGen allele CA362452480.